The following is an entry in ClinVar:

ClinVar aggregate classification (germline): Likely benign. Review status: criteria provided, multiple submitters, no conflicts (2 of 4 stars). 3 submissions from 3 submitters: Likely benign (3). Last evaluated 2023-03-07.

Conditions:
Familial cancer of breast. Also called: Hereditary breast cancer; hereditary breast carcinoma; BREAST CANCER, FAMILIAL. Identifiers: Orphanet 227535, MedGen C0346153, MONDO:0016419, OMIM 114480. Disease mechanism: loss of function.
Hereditary cancer-predisposing syndrome. Also called: Hereditary Cancer Syndrome; Hereditary neoplastic syndrome; Neoplastic Syndromes, Hereditary; Tumor predisposition. Identifiers: Orphanet 140162, MedGen C0027672, MeSH D009386, MONDO:0015356.

Allele frequency attached by ClinVar (database versions not stated): ExAC 0.00001; gnomAD 0.00001; TOPMed 0.00001.
gnomAD v4.1: 1 of 1,612,680 alleles (0.000062%); highest among the groups gnomAD compares: African/African-American, 0.0013%; no homozygotes.

Submissions (3):

Labcorp Genetics (formerly Invitae), Labcorp
Classification: Likely benign for Familial cancer of breast. Last evaluated: 2023-03-07. Review status: criteria provided, single submitter. Criteria: Invitae Variant Classification Sherloc (09022015). Collection method: clinical testing. Allele origin: germline.

Ambry Genetics
Classification: Likely benign for Hereditary cancer-predisposing syndrome. Last evaluated: 2023-02-15. Review status: criteria provided, single submitter. Criteria: Ambry Variant Classification Scheme 2023. Collection method: clinical testing. Allele origin: germline.

GeneDx
Classification: Likely benign. Last evaluated: 2016-10-31. Review status: criteria provided, single submitter. Criteria: GeneDx Variant Classification (06012015). Collection method: clinical testing. Allele origin: germline. Affected: yes.
Comment: This variant is considered likely benign or benign based on one or more of the following criteria: it is a conservative change, it occurs at a poorly conserved position in the protein, it is predicted to be benign by multiple in silico algorithms, and/or has population frequency not consistent with disease.

NM_024675.4(PALB2):c.109-4C>G

Gene: PALB2 (partner and localizer of BRCA2; minus strand). Cytogenetic location: 16p12.2.
Variant type: single nucleotide variant.
Coding change: c.109-4C>G on transcript NM_024675.4 (MANE Select); 4 bases into the intron before coding-DNA position 109, C replaced by G.
Molecular consequence: intron variant.
Genome position (GRCh38, 1-based): chr16:23,637,956, G>C on the plus strand (C>G on the coding strand, the complement: PALB2 is on the minus strand). VCF-style: chr16-23637956-G-C. GRCh37 (hg19) VCF-style: chr16-23649277-G-C.
Identifiers: ClinVar variation 390614 (VCV000390614.13), dbSNP rs778124229, ClinGen allele CA7963840.
Genomic context (GRCh38, chr16:23,637,956, plus strand): 5'-TTGTTCTTCTACTGTTTTCTTAATAGAATGCTTAATCTTTTCAGCTCTTTGGGCACGCTA[G>C]AGGAGACAAAAACAGCCCCAGAAATACGTTTTCTTTAAAGTTTTATAGAGTCAAGAACTG-3'